The following is an entry in ClinVar:

NM_001163809.2(WDR81):c.5325+5G>A

Gene: WDR81 (WD repeat domain 81; plus strand). Cytogenetic location: 17p13.3.
Variant type: single nucleotide variant.
Coding change: c.5325+5G>A on transcript NM_001163809.2 (MANE Select); 5 bases into the intron after coding-DNA position 5325, G replaced by A.
Molecular consequence: intron variant.
Genome position (GRCh38, 1-based): chr17:1,735,722, G>A. VCF-style: chr17-1735722-G-A. GRCh37 (hg19) VCF-style: chr17-1639016-G-A.
Other names: c.2172+5G>A (NM_152348.4); c.1716+5G>A (NM_001163673.2); c.1644+5G>A (NM_001163811.2).
Identifiers: ClinVar variation 2663364 (VCV002663364.2), dbSNP rs1193442920, ClinGen allele CA726561682.

ClinVar aggregate classification (germline): Likely pathogenic (1 of 4 stars; one submission).

Allele frequency attached by ClinVar (database versions not stated): TOPMed 0.00001.

Submission:

GeneDx
Classification: Likely pathogenic. Last evaluated: 2025-04-10. Review status: criteria provided, single submitter. Criteria: GeneDx Variant Classification Process June 2021. Collection method: clinical testing. Allele origin: germline.
Comment: Not observed at significant frequency in large population cohorts (gnomAD); In silico analysis indicates that this variant does not alter splicing; Has not been previously published as pathogenic or benign to our knowledge